The following is an entry in ClinVar:

NM_012123.4(MTO1):c.939-6T>G

Gene: MTO1 (mitochondrial tRNA translation optimization 1; plus strand). Cytogenetic location: 6q13.
Variant type: single nucleotide variant.
Coding change: c.939-6T>G on transcript NM_012123.4 (MANE Select); 6 bases into the intron before coding-DNA position 939, T replaced by G.
Molecular consequence: intron variant.
Genome position (GRCh38, 1-based): chr6:73,479,930, T>G. VCF-style: chr6-73479930-T-G. GRCh37 (hg19) VCF-style: chr6-74189653-T-G.
Other names: c.939-6T>G (NM_133645.3, NM_001123226.2).
Identifiers: ClinVar variation 1723031 (VCV001723031.7), dbSNP rs2533279149, ClinGen allele CA2578669330.
Genomic context (GRCh38, chr6:73,479,930, plus strand): 5'-TTACTTTAAGGAATGACGTCAATCCTCTTTTGTTCATTTCAAGTTTATTTAAATGTTCTA[T>G]TCTAGATACTGTCCCTCCATTGAATCAAAAGTTTTGCGTTTTCCAAACCGTCTACATCAG-3'

ClinVar aggregate classification (germline): Uncertain significance. Review status: criteria provided, multiple submitters, no conflicts (2 of 4 stars). 2 submissions from 2 submitters: Uncertain significance (2). Last evaluated 2022-06-03.

Conditions:
Mitochondrial hypertrophic cardiomyopathy with lactic acidosis due to MTO1 deficiency. Also called: Combined oxidative phosphorylation deficiency 10; CARDIOMYOPATHY, INFANTILE HYPERTROPHIC MITOCHONDRIAL, AND LACTIC ACIDOSIS. Identifiers: Orphanet 314637, MedGen C4749921, MONDO:0013865, OMIM 614702.

Allele frequency attached by ClinVar (database versions not stated): gnomAD exomes below 0.00001.
gnomAD v4.1: 1 of 1,611,382 alleles (0.000062%); highest among the groups gnomAD compares: Non-Finnish European, 0.000085%; no homozygotes.

Submissions (2):

Labcorp Genetics (formerly Invitae), Labcorp
Classification: Uncertain significance for Mitochondrial hypertrophic cardiomyopathy with lactic acidosis due to MTO1 deficiency. Last evaluated: 2022-06-03. Review status: criteria provided, single submitter. Criteria: Invitae Variant Classification Sherloc (09022015). Collection method: clinical testing. Allele origin: germline.
Comment: In summary, the available evidence is currently insufficient to determine the role of this variant in disease. Therefore, it has been classified as a Variant of Uncertain Significance. This sequence change falls in intron 5 of the MTO1 gene. It does not directly change the encoded amino acid sequence of the MTO1 protein. Algorithms developed to predict the effect of sequence changes on RNA splicing suggest that this variant may disrupt the consensus splice site. This variant has not been reported in the literature in individuals affected with MTO1-related conditions. This variant is not present in population databases (gnomAD no frequency).

GeneDx
Classification: Uncertain significance. Last evaluated: 2022-05-05. Review status: criteria provided, single submitter. Criteria: GeneDx Variant Classification Process June 2021. Collection method: clinical testing. Allele origin: germline. Affected: yes.
Comment: Not observed at significant frequency in large population cohorts (gnomAD); In silico analysis supports a deleterious effect on splicing; Has not been previously published as pathogenic or benign to our knowledge